The following is an entry in ClinVar:

NM_000993.5(RPL31):c.131G>A (p.Arg44Gln)

Gene: RPL31 (ribosomal protein L31; plus strand). Cytogenetic location: 2q11.2.
Variant type: single nucleotide variant.
Coding change: c.131G>A on transcript NM_000993.5 (MANE Select); coding-DNA position 131, G replaced by A.
Protein change: p.Arg44Gln; replaces arginine 44 with glutamine.
Molecular consequence: missense variant.
Genome position (GRCh38, 1-based): chr2:101,004,181, G>A. VCF-style: chr2-101004181-G-A. GRCh37 (hg19) VCF-style: chr2-101620643-G-A.
Other names: c.131G>A, p.Arg44Gln (NM_001098577.3, NM_001098578.1, NM_001099693.2); c.131G>A (NM_001098577.2); short protein forms R44Q.
Identifiers: ClinVar variation 2106535 (VCV002106535.5), dbSNP rs751639917, ClinGen allele CA1804212.

ClinVar aggregate classification (germline): Uncertain significance. Review status: criteria provided, multiple submitters, no conflicts (2 of 4 stars). 2 submissions from 2 submitters: Uncertain significance (2). Last evaluated 2025-11-03.

Allele frequency attached by ClinVar (database versions not stated): gnomAD exomes below 0.00001; ExAC 0.00001; TOPMed 0.00001; gnomAD 0.00002.
gnomAD v4.1: 7 of 1,613,722 alleles (0.00043%); highest among the groups gnomAD compares: African/African-American, 0.0027%; no homozygotes.

Submissions (2):

Ambry Genetics
Classification: Uncertain significance. Last evaluated: 2025-11-03. Review status: criteria provided, single submitter. Criteria: Ambry Variant Classification Scheme 2023. Collection method: clinical testing. Allele origin: germline.

Labcorp Genetics (formerly Invitae), Labcorp
Classification: Uncertain significance. Last evaluated: 2022-09-07. Review status: criteria provided, single submitter. Criteria: Invitae Variant Classification Sherloc (09022015). Collection method: clinical testing. Allele origin: germline.
Comment: In summary, the available evidence is currently insufficient to determine the role of this variant in disease. Therefore, it has been classified as a Variant of Uncertain Significance. Algorithms developed to predict the effect of missense changes on protein structure and function are either unavailable or do not agree on the potential impact of this missense change (SIFT: "Deleterious"; PolyPhen-2: "Benign"; Align-GVGD: "Class C35"). This variant has not been reported in the literature in individuals affected with RPL31-related conditions. This variant is present in population databases (rs751639917, gnomAD 0.004%). This sequence change replaces arginine, which is basic and polar, with glutamine, which is neutral and polar, at codon 44 of the RPL31 protein (p.Arg44Gln).